The following is an entry in ClinVar:

ClinVar aggregate classification (germline): Uncertain significance. Review status: criteria provided, multiple submitters, no conflicts (2 of 4 stars). 6 submissions from 6 submitters: Uncertain significance (6). Last evaluated 2024-09-11.

Conditions:
Congenital myopathy with fiber type disproportion. Also called: Congenital fiber-type disproportion; Congenital fiber-type disproportion myopathy. Identifiers: Orphanet 2020, MedGen C0546264, MONDO:0009711. Inheritance: all.
Malignant hyperthermia, susceptibility to, 1 (MHS1). Also called: Anesthesia related hyperthermia; Malignant hyperpyrexia; Fulminating hyperpyrexia; Pharmacogenic myopathy; RYR1-Related Malignant Hyperthermia Susceptibility; Malignant hyperthermia suceptibility 1. Identifiers: Orphanet 423, MedGen C2930980, MONDO:0007783, OMIM 145600.
Congenital multicore myopathy with external ophthalmoplegia (CMYO1B). Also called: MULTICORE MYOPATHY; MULTIMINICORE DISEASE WITH EXTERNAL OPHTHALMOPLEGIA; Minicore myopathy with external ophthalmoplegia; Congenital myopathy 1B, autosomal recessive; Minicore myopathy. Identifiers: Orphanet 598, Orphanet 98905, MedGen C1850674, MONDO:0009712, OMIM 255320, HP:0003789.
Central core myopathy (CMYO1A). Also called: CONGENITAL MYOPATHY 1A, AUTOSOMAL DOMINANT, WITH SUSCEPTIBILITY TO MALIGNANT HYPERTHERMIA; Central core disease; Myopathy, central fibrillar. Identifiers: Orphanet 597, MedGen C5830701, MONDO:0007294, OMIM 117000.
King Denborough syndrome (KDS). Identifiers: MedGen C1840365, MONDO:0020485, OMIM 619542.
RYR1-related disorder. Also called: RYR1-related disorders; RYR1-related condition. Identifiers: MedGen CN239331.
Inborn genetic diseases. Identifiers: MedGen C0950123, MeSH D030342.

Allele frequency attached by ClinVar (database versions not stated): gnomAD exomes below 0.00001 and 0.00001; gnomAD 0.00001; TOPMed 0.00002.
gnomAD v4.1: 8 of 1,610,516 alleles (0.0005%); highest among the groups gnomAD compares: African/African-American, 0.0027%; no homozygotes.

Submissions (6):

All of Us Research Program, National Institutes of Health
Classification: Uncertain significance for Malignant hyperthermia, susceptibility to, 1. Last evaluated: 2024-09-11. Review status: criteria provided, single submitter. Criteria: ACMG Guidelines, 2015. Collection method: clinical testing. Allele origin: germline. Inheritance: Autosomal dominant inheritance. Observed: 3 variant alleles, 3 heterozygotes.
Comment: This missense variant replaces arginine with histidine at codon 1670 of the RYR1 protein. Computational prediction suggests that this variant may not impact protein structure and function (internally defined REVEL score threshold <= 0.5, PMID: 27666373). To our knowledge, functional studies have not been reported for this variant. This variant has not been reported in individuals affected with RYR1-related disorders in the literature. This variant has been identified in 2/245942 chromosomes in the general population by the Genome Aggregation Database (gnomAD). The available evidence is insufficient to determine the role of this variant in disease conclusively. Therefore, this variant is classified as a Variant of Uncertain Significance.

This study involves interpretation of variants in research participants for the purpose of population health screening. Participant phenotype was not available at the time of variant classification. Additional details can be found in publication PMID: 35346344, PMCID: PMC8962531

Ambry Genetics
Classification: Uncertain significance for Inborn genetic diseases. Last evaluated: 2024-08-26. Review status: criteria provided, single submitter. Criteria: Ambry Variant Classification Scheme 2023. Collection method: clinical testing. Allele origin: germline.

Color Diagnostics, LLC DBA Color Health
Classification: Uncertain significance for Malignant hyperthermia, susceptibility to, 1. Last evaluated: 2024-05-07. Review status: criteria provided, single submitter. Criteria: ACMG Guidelines, 2015. Collection method: clinical testing. Allele origin: germline.
Comment: This missense variant replaces arginine with histidine at codon 1670 of the RYR1 protein. Computational prediction suggests that this variant may not impact protein structure and function. To our knowledge, functional studies have not been reported for this variant. This variant has not been reported in individuals affected with RYR1-related disorders in the literature. This variant has been identified in 2/245942 chromosomes in the general population by the Genome Aggregation Database (gnomAD). The available evidence is insufficient to determine the role of this variant in disease conclusively. Therefore, this variant is classified as a Variant of Uncertain Significance.

Labcorp Genetics (formerly Invitae), Labcorp
Classification: Uncertain significance for RYR1-related disorder. Last evaluated: 2022-07-26. Review status: criteria provided, single submitter. Criteria: Invitae Variant Classification Sherloc (09022015). Collection method: clinical testing. Allele origin: germline.
Comment: This sequence change replaces arginine, which is basic and polar, with histidine, which is basic and polar, at codon 1670 of the RYR1 protein (p.Arg1670His). This variant is present in population databases (no rsID available, gnomAD 0.007%). This variant has not been reported in the literature in individuals affected with RYR1-related conditions. ClinVar contains an entry for this variant (Variation ID: 500414). Algorithms developed to predict the effect of missense changes on protein structure and function are either unavailable or do not agree on the potential impact of this missense change (SIFT: "Tolerated"; PolyPhen-2: "Possibly Damaging"; Align-GVGD: "Class C0"). In summary, the available evidence is currently insufficient to determine the role of this variant in disease. Therefore, it has been classified as a Variant of Uncertain Significance.

Fulgent Genetics
Classification: Uncertain significance for Central core myopathy; Malignant hyperthermia, susceptibility to, 1; Congenital myopathy 4A, autosomal dominant; Congenital multicore myopathy with external ophthalmoplegia; King Denborough syndrome. Last evaluated: 2021-07-20. Review status: criteria provided, single submitter. Criteria: ACMG Guidelines, 2015. Collection method: clinical testing. Allele origin: unknown.

Eurofins Ntd Llc (ga)
Classification: Uncertain significance. Last evaluated: 2017-02-08. Review status: criteria provided, single submitter. Criteria: EGL Classification Definitions 2015. Collection method: clinical testing. Allele origin: germline. Observed: 1 variant allele, 1 heterozygote.

NM_000540.3(RYR1):c.5009G>A (p.Arg1670His)

Gene: RYR1 (ryanodine receptor 1; plus strand). Cytogenetic location: 19q13.2.
Variant type: single nucleotide variant.
Coding change: c.5009G>A on transcript NM_000540.3 (MANE Select); coding-DNA position 5009, G replaced by A.
Protein change: p.Arg1670His; replaces arginine 1670 with histidine.
Molecular consequence: missense variant.
Genome position (GRCh38, 1-based): chr19:38,485,664, G>A. VCF-style: chr19-38485664-G-A. GRCh37 (hg19) VCF-style: chr19-38976304-G-A.
Other names: c.5009G>A, p.Arg1670His (NM_001042723.2); short protein forms R1670H.
Identifiers: ClinVar variation 500414 (VCV000500414.18), dbSNP rs1248039154, ClinGen allele CA405653037.